The following is an entry in ClinVar:

ClinVar aggregate classification (germline): Uncertain significance (1 of 4 stars; one submission).

Conditions:
Autosomal recessive limb-girdle muscular dystrophy type 2O. Also called: Limb-Girdle Muscular Dystrophy Type 3C; MUSCULAR DYSTROPHY-DYSTROGLYCANOPATHY (LIMB-GIRDLE), TYPE C, 3; MUSCULAR DYSTROPHY-DYSTROGLYCANOPATHY, LIMB-GIRDLE, POMGNT1-RELATED. Identifiers: Orphanet 206564, MedGen C3150417, MONDO:0013161, OMIM 613157.
Muscular dystrophy-dystroglycanopathy (congenital with impaired intellectual development), type B, 3. Also called: MUSCULAR DYSTROPHY, CONGENITAL, POMGNT1-RELATED; Muscular dystrophy-dystroglycanopathy (congenital with intellectual disability), type B3. Identifiers: MedGen C3150412, MONDO:0013155, OMIM 613151.

Allele frequency attached by ClinVar (database versions not stated): TOPMed below 0.00001; gnomAD exomes 0.00001.
gnomAD v4.1: 4 of 1,614,140 alleles (0.00025%); highest among the groups gnomAD compares: East Asian, 0.0022%; no homozygotes.

Submission:

Labcorp Genetics (formerly Invitae), Labcorp
Classification: Uncertain significance for Autosomal recessive limb-girdle muscular dystrophy type 2O; Muscular dystrophy-dystroglycanopathy (congenital with impaired intellectual development), type B, 3. Last evaluated: 2022-08-05. Review status: criteria provided, single submitter. Criteria: Invitae Variant Classification Sherloc (09022015). Collection method: clinical testing. Allele origin: germline.
Comment: In summary, the available evidence is currently insufficient to determine the role of this variant in disease. Therefore, it has been classified as a Variant of Uncertain Significance. Variants that disrupt the consensus splice site are a relatively common cause of aberrant splicing (PMID: 17576681, 9536098). Algorithms developed to predict the effect of sequence changes on RNA splicing suggest that this variant is not likely to affect RNA splicing. This variant has not been reported in the literature in individuals affected with POMGNT1-related conditions. This variant is present in population databases (no rsID available, gnomAD 0.0009%). This sequence change falls in intron 14 of the POMGNT1 gene. It does not directly change the encoded amino acid sequence of the POMGNT1 protein. It affects a nucleotide within the consensus splice site.

Literature cited by the submitters: PubMed 17576681; PubMed 9536098.

NM_017739.4(POMGNT1):c.1211+6G>A

Genes: POMGNT1 (protein O-linked mannose N-acetylglucosaminyltransferase 1 (beta 1,2-); minus strand), TSPAN1 (tetraspanin 1; plus strand). Cytogenetic location: 1p34.1.
Variant type: single nucleotide variant.
Coding change: c.1211+6G>A on transcript NM_017739.4 (MANE Select); 6 bases into the intron after coding-DNA position 1211, G replaced by A.
Molecular consequence: intron variant.
Genome position (GRCh38, 1-based): chr1:46,192,894, C>T on the plus strand (G>A on the coding strand, the complement: POMGNT1 is on the minus strand). VCF-style: chr1-46192894-C-T. GRCh37 (hg19) VCF-style: chr1-46658566-C-T.
Other names: c.1211+6G>A (NM_001243766.2, NM_001438686.1, NM_001438688.1 and 3 more transcripts); c.1145+6G>A (NM_001290129.3, NM_001438691.1, NM_001438692.1); c.782+6G>A (NM_001290130.2).
Identifiers: ClinVar variation 1961706 (VCV001961706.4), dbSNP rs1429912790, ClinGen allele CA522581683.